The following is an entry in ClinVar:

ClinVar aggregate classification (germline): Likely benign (1 of 4 stars; one submission).

Conditions:
Heterotaxy, visceral, 4, autosomal (HTX4). Identifiers: Orphanet 450, MedGen C3151057, MONDO:0013403, OMIM 613751.

Allele frequency attached by ClinVar (database versions not stated): TOPMed 0.00005; gnomAD 0.00006 and 0.00007; 1000 Genomes Project 30x 0.00031; 1000 Genomes Project 0.00040.

Submission:

Illumina Laboratory Services, Illumina
Classification: Likely benign for Heterotaxy, visceral, 4, autosomal. Last evaluated: 2018-01-13. Review status: criteria provided, single submitter. Criteria: ICSL Variant Classification Criteria 13 December 2019. Collection method: clinical testing. Allele origin: germline.
Comment: This variant was observed in the ICSL laboratory as part of a predisposition screen in an ostensibly healthy population. It had not been previously curated by ICSL or reported in the Human Gene Mutation Database (HGMD: prior to June 1st, 2018), and was therefore a candidate for classification through an automated scoring system. Utilizing variant allele frequency, disease prevalence and penetrance estimates, and inheritance mode, an automated score was calculated to assess if this variant is too frequent to cause the disease. Based on the score and internal cut-off values, a variant classified as likely benign is not then subjected to further curation. The score for this variant resulted in a classification of likely benign for this disease.

NM_001106.4(ACVR2B):c.*767C>T

Gene: ACVR2B (activin A receptor type 2B; plus strand). Cytogenetic location: 3p22.2.
Variant type: single nucleotide variant.
Coding change: c.*767C>T on transcript NM_001106.4 (MANE Select); 767 bases downstream of the stop codon, C replaced by T.
Molecular consequence: 3 prime UTR variant.
Genome position (GRCh38, 1-based): chr3:38,484,099, C>T. VCF-style: chr3-38484099-C-T. GRCh37 (hg19) VCF-style: chr3-38525590-C-T.
Identifiers: ClinVar variation 900282 (VCV000900282.4), dbSNP rs371324588, ClinGen allele CA72927320.
Genomic context (GRCh38, chr3:38,484,099, plus strand): 5'-CTTTAGTATGGAGGCTACTTCTCAGGTAACCAGGAATTGAGGGGAAGGACCTTGTGGAGG[C>T]CGAGCATTAACAGCAAGAGCGGGGTTTGGAGAAAGTCTGAGATTGGGTGCAGCCCTGACT-3'